The following is an entry in ClinVar:

NM_001382241.1(TNPO2):c.1620C>T (p.Asp540=)

Gene: TNPO2 (transportin 2; minus strand). Cytogenetic location: 19p13.13.
Variant type: single nucleotide variant.
Coding change: c.1620C>T on transcript NM_001382241.1 (MANE Select); coding-DNA position 1620, C replaced by T.
Protein change: p.Asp540=; no amino-acid change (aspartic acid 540 retained).
Molecular consequence: synonymous variant. On other transcripts: non-coding transcript variant (6).
Genome position (GRCh38, 1-based): chr19:12,706,244, G>A on the plus strand (C>T on the coding strand, the complement: TNPO2 is on the minus strand). VCF-style: chr19-12706244-G-A. GRCh37 (hg19) VCF-style: chr19-12817058-G-A.
Other names: c.1620C>T, p.Asp540= (NM_001136195.2, NM_001136196.2, NM_001382236.1 and 7 more transcripts).
Identifiers: ClinVar variation 3025393 (VCV003025393.22), dbSNP rs374981619, ClinGen allele CA9229024.

ClinVar aggregate classification (germline): Likely benign (1 of 4 stars; one submission).

Allele frequency attached by ClinVar (database versions not stated): ExAC 0.00006; gnomAD 0.00015; TOPMed 0.00015; ESP Exome Variant Server 0.00016; gnomAD exomes 0.00018.
gnomAD v4.1: 278 of 1,613,858 alleles (0.017%); highest among the groups gnomAD compares: Admixed American, 0.028%; 1 homozygote.

Submission:

CeGaT Center for Human Genetics Tuebingen
Classification: Likely benign. Last evaluated: 2026-06-01. Review status: criteria provided, single submitter. Criteria: CeGaT Center For Human Genetics Tuebingen Variant Classification Criteria Version 2. Collection method: clinical testing. Allele origin: germline. Affected: yes. Observed: 2 variant alleles.
Comment: TNPO2: BP4, BP7